The following is an entry in ClinVar:

NM_000059.4(BRCA2):c.6797A>T (p.Asn2266Ile)

Gene: BRCA2 (BRCA2 DNA repair associated; plus strand). Cytogenetic location: 13q13.1.
Variant type: single nucleotide variant.
Coding change: c.6797A>T on transcript NM_000059.4 (MANE Select); coding-DNA position 6797, A replaced by T.
Protein change: p.Asn2266Ile; replaces asparagine 2266 with isoleucine.
Molecular consequence: missense variant.
Genome position (GRCh38, 1-based): chr13:32,341,152, A>T. VCF-style: chr13-32341152-A-T. GRCh37 (hg19) VCF-style: chr13-32915289-A-T.
Other names: c.6797A>T (NM_000059.3); short protein forms N2266I.
Identifiers: ClinVar variation 1423410 (VCV001423410.8), dbSNP rs2072565540, ClinGen allele CA387791338.

ClinVar aggregate classification (germline): Conflicting classifications of pathogenicity. Review status: criteria provided, conflicting classifications (1 of 4 stars). 3 submissions from 3 submitters: Uncertain significance (2); Likely benign (1). Last evaluated 2026-03-17.

Conditions:
Hereditary breast ovarian cancer syndrome. Also called: Hereditary breast and ovarian cancer; Breast and ovarian cancer; Hereditary breast and/or ovarian cancer syndrome; Hereditary breast and ovarian cancer syndrome; Hereditary breast and ovarian cancer syndrome (HBOC); BRCA1- and BRCA2-Associated Hereditary Breast and Ovarian Cancer. Identifiers: Orphanet 145, MedGen C0677776, MeSH D061325, MONDO:0003582. Disease mechanism: loss of function.
Hereditary cancer-predisposing syndrome. Also called: Tumor predisposition; Neoplastic Syndromes, Hereditary; Hereditary Cancer Syndrome; Hereditary neoplastic syndrome. Identifiers: Orphanet 140162, MedGen C0027672, MeSH D009386, MONDO:0015356.

Allele frequency attached by ClinVar (database versions not stated): TOPMed below 0.00001.

Submissions (3):

Ambry Genetics
Classification: Uncertain significance for Hereditary cancer-predisposing syndrome. Last evaluated: 2026-03-17. Review status: criteria provided, single submitter. Criteria: Ambry Variant Classification Scheme 2023. Collection method: clinical testing. Allele origin: germline.
Comment: The p.N2266I variant (also known as c.6797A>T), located in coding exon 10 of the BRCA2 gene, results from an A to T substitution at nucleotide position 6797. The asparagine at codon 2266 is replaced by isoleucine, an amino acid with dissimilar properties. This amino acid position is conserved. In addition, the in silico prediction for this alteration is inconclusive. Based on the available evidence, the clinical significance of this variant remains unclear.

University of Washington Department of Laboratory Medicine, University of Washington
Classification: Likely benign for Hereditary cancer-predisposing syndrome. Last evaluated: 2023-03-23. Review status: criteria provided, single submitter. Criteria: Dines et al. (Genet Med. 2020). Collection method: curation. Allele origin: germline.
Comment: Missense variant in a coldspot region where missense variants are very unlikely to be pathogenic (PMID:31911673).

BRCA2 exon 11 coldspot. Reclassification based on statistical prior probability.

Labcorp Genetics (formerly Invitae), Labcorp
Classification: Uncertain significance for Hereditary breast ovarian cancer syndrome. Last evaluated: 2023-01-16. Review status: criteria provided, single submitter. Criteria: Invitae Variant Classification Sherloc (09022015). Collection method: clinical testing. Allele origin: germline.
Comment: This sequence change replaces asparagine, which is neutral and polar, with isoleucine, which is neutral and non-polar, at codon 2266 of the BRCA2 protein (p.Asn2266Ile). This variant is not present in population databases (gnomAD no frequency). This variant has not been reported in the literature in individuals affected with BRCA2-related conditions. ClinVar contains an entry for this variant (Variation ID: 1423410). Advanced modeling of protein sequence and biophysical properties (such as structural, functional, and spatial information, amino acid conservation, physicochemical variation, residue mobility, and thermodynamic stability) performed at Invitae indicates that this missense variant is not expected to disrupt BRCA2 protein function. In summary, the available evidence is currently insufficient to determine the role of this variant in disease. Therefore, it has been classified as a Variant of Uncertain Significance.